The following is an entry in ClinVar:

ClinVar aggregate classification (germline): Uncertain significance (1 of 4 stars; one submission).

Conditions:
Atrial fibrillation, familial, 7 (ATFB7). Identifiers: MedGen C2677106, MONDO:0012828, OMIM 612240.

gnomAD v4.1: 1 of 1,613,628 alleles (0.000062%); highest among the groups gnomAD compares: Non-Finnish European, 0.000085%; no homozygotes.

Submission:

Labcorp Genetics (formerly Invitae), Labcorp
Classification: Uncertain significance for Atrial fibrillation, familial, 7. Last evaluated: 2017-07-06. Review status: criteria provided, single submitter. Criteria: Invitae Variant Classification Sherloc (09022015). Collection method: clinical testing. Allele origin: germline.
Comment: This sequence change replaces glycine with arginine at codon 128 of the KCNA5 protein (p.Gly128Arg). The glycine residue is highly conserved and there is a moderate physicochemical difference between glycine and arginine. This variant is not present in population databases (ExAC no frequency). This variant has not been reported in the literature in individuals with KCNA5-related disease. Algorithms developed to predict the effect of missense changes on protein structure and function do not agree on the potential impact of this missense change (SIFT: "Deleterious"; PolyPhen-2: "Probably Damaging"; Align-GVGD: "Class C0"). In summary, the available evidence is currently insufficient to determine the role of this variant in disease. Therefore, it has been classified as a Variant of Uncertain Significance.

NM_002234.4(KCNA5):c.382G>C (p.Gly128Arg)

Gene: KCNA5 (potassium voltage-gated channel subfamily A member 5; plus strand). Cytogenetic location: 12p13.32.
Variant type: single nucleotide variant.
Coding change: c.382G>C on transcript NM_002234.4 (MANE Select); coding-DNA position 382, G replaced by C.
Protein change: p.Gly128Arg; replaces glycine 128 with arginine.
Molecular consequence: missense variant.
Genome position (GRCh38, 1-based): chr12:5,044,529, G>C. VCF-style: chr12-5044529-G-C. GRCh37 (hg19) VCF-style: chr12-5153695-G-C.
Other names: short protein forms G128R.
Identifiers: ClinVar variation 469593 (VCV000469593.1), dbSNP rs766137868, ClinGen allele CA383464309.
Genomic context (GRCh38, chr12:5,044,529, plus strand): 5'-GAGGACCAGGCTCTGGGCACGGCGTCCCTGCACCACCAGCGCGTCCACATCAACATCTCC[G>C]GGCTGCGCTTTGAGACGCAGCTGGGCACCCTGGCGCAGTTCCCCAACACACTCCTGGGGG-3'
Protein context (NP_002225.2, residues 118-138): HHQRVHINIS[Gly128Arg]LRFETQLGTL